The following is an entry in ClinVar:

ClinVar aggregate classification (germline): Likely benign (1 of 4 stars; one submission).

Conditions:
CFAP57-related disorder. Also called: CFAP57-related condition.

gnomAD v4.1: 26 of 1,510,860 alleles (0.0017%); highest among the groups gnomAD compares: Non-Finnish European, 0.0022%; no homozygotes.

Submission:

PreventionGenetics, part of Exact Sciences
Classification: Likely benign for CFAP57-related condition. Last evaluated: 2025-03-28. Review status: criteria provided, single submitter. Criteria: ACMG Guidelines, 2015. Collection method: clinical testing. Allele origin: germline.
Comment: This variant is classified as likely benign based on ACMG/AMP sequence variant interpretation guidelines (Richards et al. 2015 PMID: 25741868, with internal and published modifications).

NM_001378189.1(CFAP57):c.2868G>A (p.Glu956=)

Genes: CFAP57 (cilia and flagella associated protein 57; plus strand), EBNA1BP2 (EBNA1 binding protein 2; minus strand), LOC105378685 (uncharacterized LOC105378685; minus strand). Cytogenetic location: 1p34.2.
Variant type: single nucleotide variant.
Coding change: c.2868G>A on transcript NM_001378189.1 (MANE Select); coding-DNA position 2868, G replaced by A.
Protein change: p.Glu956=; no amino-acid change (glutamic acid 956 retained).
Molecular consequence: synonymous variant.
Genome position (GRCh38, 1-based): chr1:43,226,985, G>A. VCF-style: chr1-43226985-G-A. GRCh37 (hg19) VCF-style: chr1-43692656-G-A.
Other names: c.2868G>A, p.Glu956= (NM_001195831.3).
Identifiers: ClinVar variation 4987668 (VCV004987668.1).